The following is an entry in ClinVar:

ClinVar aggregate classification (germline): Likely benign. Review status: criteria provided, multiple submitters, no conflicts (2 of 4 stars). 3 submissions from 3 submitters: Likely benign (3). Last evaluated 2025-10-01.

Allele frequency attached by ClinVar (database versions not stated): ExAC 0.00001; gnomAD 0.00001; gnomAD exomes 0.00001 and 0.00003; TOPMed 0.00001.
gnomAD v4.1: 45 of 1,611,764 alleles (0.0028%); highest among the groups gnomAD compares: Non-Finnish European, 0.0036%; no homozygotes.

Submissions (3):

Labcorp Genetics (formerly Invitae), Labcorp
Classification: Likely benign. Last evaluated: 2025-10-01. Review status: criteria provided, single submitter. Criteria: Invitae Variant Classification Sherloc (09022015). Collection method: clinical testing. Allele origin: germline.

Blueprint Genetics
Classification: Likely benign. Last evaluated: 2021-06-02. Review status: criteria provided, single submitter. Criteria: ACMG Guidelines, 2015. Collection method: clinical testing. Allele origin: germline.

Laboratory for Molecular Medicine, Mass General Brigham Personalized Medicine
Classification: Likely benign. Last evaluated: 2010-10-07. Review status: criteria provided, single submitter. Criteria: LMM Criteria. Collection method: clinical testing. Allele origin: germline. Observed: 1 variant allele.
Comment: Gly1600Gly in exon 35 of MYO7A: This variant is not expected to have clinical si gnificance because it does not alter an amino acid residue and is not located ne ar a splice junction.

NM_000260.4(MYO7A):c.4800G>T (p.Gly1600=)

Gene: MYO7A (myosin VIIA; plus strand). Cytogenetic location: 11q13.5.
Variant type: single nucleotide variant.
Coding change: c.4800G>T on transcript NM_000260.4 (MANE Select); coding-DNA position 4800, G replaced by T.
Protein change: p.Gly1600=; no amino-acid change (glycine 1600 retained).
Molecular consequence: synonymous variant.
Genome position (GRCh38, 1-based): chr11:77,199,766, G>T. VCF-style: chr11-77199766-G-T. GRCh37 (hg19) VCF-style: chr11-76910811-G-T.
Other names: c.4686G>T, p.Gly1562= (NM_001127180.2); c.4653G>T, p.Gly1551= (NM_001369365.1).
Identifiers: ClinVar variation 43259 (VCV000043259.16), dbSNP rs397516314, ClinGen allele CA132354.
Genomic context (GRCh38, chr11:77,199,766, plus strand): 5'-CACCTTCACCTCCAGCAATGCTGAGGACATTCGTGACCTGGTGGTCACCTTCCTAGAGGG[G>T]CTCCGGAAGAGATCTAAGTATGTTGTGGCCCTGCAGGATAACCCCAACCCCGGTGAGTGG-3'
Protein context (NP_000251.3, residues 1590-1610): IRDLVVTFLE[Gly1600=]LRKRSKYVVA